The following is an entry in ClinVar:

NC_000004.11:g.(159593643_159601618)_(159620283_159624574)dup

Gene: ETFDH (electron transfer flavoprotein dehydrogenase; plus strand). Cytogenetic location: 4q32.1.
Variant type: Duplication.
Identifiers: ClinVar variation 1343592 (VCV001343592.2).

ClinVar aggregate classification (germline): Likely pathogenic (1 of 4 stars; one submission).

Conditions:
Multiple acyl-CoA dehydrogenase deficiency (MADD). Also called: Glutaric aciduria, type 2; Glutaric Acidemia type 2; Glutaric acidemia type II; GA 2; ETHYLMALONIC-ADIPICACIDURIA; GA II. Identifiers: Orphanet 26791, MedGen C0268596, MONDO:0009282, OMIM 231680.

Submission:

Women's Health and Genetics/Laboratory Corporation of America, LabCorp
Classification: Likely pathogenic for Multiple acyl-CoA dehydrogenase deficiency. Last evaluated: 2024-10-22. Review status: criteria provided, single submitter. Criteria: LabCorp Variant Classification Summary - May 2015. Collection method: clinical testing. Allele origin: germline.
Comment: Variant summary: The variant involves the duplication of exons 2-9 in the ETFDH gene. It is assumed to be a tandem duplication in direct orientation (PMIDs: 25640679, 30054569). This Copy Number Variant (CNV) is expected to alter the reading frame and predicted to result in a truncation or absence of the encoded protein due to nonsense mediated decay (NMD). A presumed nomenclature of c.(34+1_35-1)_(1116+1_1117-1)dup has been designated for the purposes of this classification. The variant was absent in 21694 control chromosomes (gnomAD structural variants data set). To our knowledge, no occurrence of c.(34+1_35-1)_(1116+1_1117-1)dup in individuals affected with Glutaric Aciduria, Type 2c and no experimental evidence demonstrating its impact on protein function have been reported. ClinVar contains an entry for this variant (Variation ID: 647467). Based on the evidence outlined above, the variant was classified as likely pathogenic.